The following is an entry in ClinVar:

ClinVar aggregate classification (germline): Uncertain significance. Review status: criteria provided, multiple submitters, no conflicts (2 of 4 stars). 2 submissions from 2 submitters: Uncertain significance (2). Last evaluated 2025-01-21.

Conditions:
Inborn genetic diseases. Identifiers: MedGen C0950123, MeSH D030342.

Allele frequency attached by ClinVar (database versions not stated): ExAC 0.00001.
gnomAD v4.1: 6 of 1,209,104 alleles (0.0005%); highest among the groups gnomAD compares: Non-Finnish European, 0.00056%; no homozygotes.

Submissions (2):

Ambry Genetics
Classification: Uncertain significance for Inborn genetic diseases. Last evaluated: 2025-01-21. Review status: criteria provided, single submitter. Criteria: Ambry Variant Classification Scheme 2023. Collection method: clinical testing. Allele origin: germline.

Labcorp Genetics (formerly Invitae), Labcorp
Classification: Uncertain significance. Last evaluated: 2022-09-15. Review status: criteria provided, single submitter. Criteria: Invitae Variant Classification Sherloc (09022015). Collection method: clinical testing. Allele origin: germline.
Comment: This sequence change replaces aspartic acid, which is acidic and polar, with asparagine, which is neutral and polar, at codon 341 of the NYX protein (p.Asp341Asn). This variant is present in population databases (rs748302686, gnomAD 0.001%). This variant has not been reported in the literature in individuals affected with NYX-related conditions. Advanced modeling of protein sequence and biophysical properties (such as structural, functional, and spatial information, amino acid conservation, physicochemical variation, residue mobility, and thermodynamic stability) performed at Invitae indicates that this missense variant is not expected to disrupt NYX protein function. In summary, the available evidence is currently insufficient to determine the role of this variant in disease. Therefore, it has been classified as a Variant of Uncertain Significance.

NM_001378477.3(NYX):c.1006G>A (p.Asp336Asn)

Gene: NYX (nyctalopin; plus strand). Cytogenetic location: Xp11.4.
Variant type: single nucleotide variant.
Coding change: c.1006G>A on transcript NM_001378477.3 (MANE Select); coding-DNA position 1006, G replaced by A.
Protein change: p.Asp336Asn; replaces aspartic acid 336 with asparagine.
Molecular consequence: missense variant.
Genome position (GRCh38, 1-based): chrX:41,474,474, G>A. VCF-style: chrX-41474474-G-A. GRCh37 (hg19) VCF-style: chrX-41333727-G-A.
Other names: c.1006G>A, p.Asp336Asn (NM_022567.3); c.1021G>A (NM_022567.2); short protein forms D336N.
Identifiers: ClinVar variation 2128999 (VCV002128999.5), dbSNP rs748302686, ClinGen allele CA10389894.
Genomic context (GRCh38, chrX:41,474,474, plus strand): 5'-GCCTTCCAGCCCGGCTTCTTCCTGGGCCGCCTCTTCCTCTTCCGCAACCCGTGGTGCTGC[G>A]ACTGCCGTCTGGAGTGGCTGAGGGACTGGATGGAGGGCTCCGGACGTGTCACCGACGTGC-3'
Protein context (NP_001365406.2, residues 326-346): LFLFRNPWCC[Asp336Asn]CRLEWLRDWM